The following is an entry in ClinVar:

NM_053013.4(ENO3):c.771C>G (p.Tyr257Ter)

Gene: ENO3 (enolase 3; plus strand). Cytogenetic location: 17p13.2.
Variant type: single nucleotide variant.
Coding change: c.771C>G on transcript NM_053013.4 (MANE Select); coding-DNA position 771, C replaced by G.
Protein change: p.Tyr257Ter; replaces tyrosine 257 with a stop codon.
Molecular consequence: nonsense.
Genome position (GRCh38, 1-based): chr17:4,955,510, C>G. VCF-style: chr17-4955510-C-G. GRCh37 (hg19) VCF-style: chr17-4858805-C-G.
Other names: c.642C>G, p.Tyr214Ter (NM_001193503.2); c.771C>G, p.Tyr257Ter (NM_001374523.1, NM_001976.5); c.798C>G, p.Tyr266Ter (NM_001374524.1); short protein forms Y214*, Y266*, Y257*.
Identifiers: ClinVar variation 1946963 (VCV001946963.5), dbSNP rs188548745, ClinGen allele CA8316424.

ClinVar aggregate classification (germline): Uncertain significance (1 of 4 stars; one submission).

Conditions:
Glycogen storage disease due to muscle beta-enolase deficiency (GSD13). Also called: ENOLASE 3 DEFICIENCY; ENOLASE-BETA DEFICIENCY; GSD XIII; Glycogen Storage Disease Type XIII. Identifiers: Orphanet 99849, MedGen C2752027, MONDO:0013046, OMIM 612932.

Submission:

Labcorp Genetics (formerly Invitae), Labcorp
Classification: Uncertain significance for Glycogen storage disease due to muscle beta-enolase deficiency. Last evaluated: 2022-09-13. Review status: criteria provided, single submitter. Criteria: Invitae Variant Classification Sherloc (09022015). Collection method: clinical testing. Allele origin: germline.
Comment: In summary, the available evidence is currently insufficient to determine the role of this variant in disease. Therefore, it has been classified as a Variant of Uncertain Significance. This variant has not been reported in the literature in individuals affected with ENO3-related conditions. This variant is present in population databases (rs188548745, gnomAD 0.005%). This sequence change creates a premature translational stop signal (p.Tyr257*) in the ENO3 gene. It is expected to result in an absent or disrupted protein product. However, the current clinical and genetic evidence is not sufficient to establish whether loss-of-function variants in ENO3 cause disease.